The following is an entry in ClinVar:

ClinVar aggregate classification (germline): Likely benign. Review status: criteria provided, multiple submitters, no conflicts (2 of 4 stars). 4 submissions from 4 submitters: Likely benign (4). Last evaluated 2025-06-18.

Conditions:
Cardiovascular phenotype. Identifiers: MedGen CN230736.
Long QT syndrome (LQTS). Identifiers: MedGen C0023976, MeSH D008133, MONDO:0002442. Disease mechanism: loss of function. Inheritance: Various modes of inheritance.

Allele frequency attached by ClinVar (database versions not stated): gnomAD 0.00001 and 0.00002; TOPMed 0.00003; ESP Exome Variant Server 0.00008.
gnomAD v4.1: 16 of 1,613,774 alleles (0.00099%); highest among the groups gnomAD compares: East Asian, 0.0067%; no homozygotes.

Submissions (4):

Labcorp Genetics (formerly Invitae), Labcorp
Classification: Likely benign for Long QT syndrome. Last evaluated: 2025-06-18. Review status: criteria provided, single submitter. Criteria: Invitae Variant Classification Sherloc (09022015). Collection method: clinical testing. Allele origin: germline.

CeGaT Center for Human Genetics Tuebingen
Classification: Likely benign. Last evaluated: 2024-07-01. Review status: criteria provided, single submitter. Criteria: CeGaT Center For Human Genetics Tuebingen Variant Classification Criteria Version 2. Collection method: clinical testing. Allele origin: germline. Affected: yes. Observed: 1 variant allele.
Comment: CACNA1C: BP4, BP7

Ambry Genetics
Classification: Likely benign for Cardiovascular phenotype. Last evaluated: 2024-04-12. Review status: criteria provided, single submitter. Criteria: Ambry Variant Classification Scheme 2023. Collection method: clinical testing. Allele origin: germline.

Blueprint Genetics
Classification: Likely benign. Last evaluated: 2019-09-11. Review status: criteria provided, single submitter. Criteria: ACMG Guidelines, 2015. Collection method: clinical testing. Allele origin: germline.

NM_000719.7(CACNA1C):c.1098G>A (p.Thr366=)

Gene: CACNA1C (calcium voltage-gated channel subunit alpha1 C; plus strand). Cytogenetic location: 12p13.33.
Variant type: single nucleotide variant.
Coding change: c.1098G>A on transcript NM_000719.7 (MANE Select); coding-DNA position 1098, G replaced by A.
Protein change: p.Thr366=; no amino-acid change (threonine 366 retained).
Molecular consequence: synonymous variant.
Genome position (GRCh38, 1-based): chr12:2,493,371, G>A. VCF-style: chr12-2493371-G-A. GRCh37 (hg19) VCF-style: chr12-2602537-G-A.
Other names: c.1098G>A, p.Thr366= (NM_001129827.2, NM_001129829.2, NM_001129830.3 and 18 more transcripts); c.1089G>A, p.Thr363= (NM_001129844.2).
Identifiers: ClinVar variation 710854 (VCV000710854.28), dbSNP rs372622798, ClinGen allele CA6388601.